The following is an entry in ClinVar:

ClinVar aggregate classification (germline): Uncertain significance (1 of 4 stars; one submission).

Conditions:
TNC-related disorder. Also called: TNC-related condition.

gnomAD v4.1: 241 of 1,613,716 alleles (0.015%); highest among the groups gnomAD compares: Admixed American, 0.018%; no homozygotes.

Submission:

PreventionGenetics, part of Exact Sciences
Classification: Uncertain significance for TNC-related condition. Last evaluated: 2025-12-05. Review status: criteria provided, single submitter. Criteria: ACMG Guidelines, 2015. Collection method: clinical testing. Allele origin: germline.
Comment: The TNC c.4063G>A variant is predicted to result in the amino acid substitution p.Val1355Met. To our knowledge this variant has not bee reported in the literature in TNC-related disorders. This variant is reported in 0.017% of alleles in individuals of European (Non-Finnish) descent in gnomAD. Although we suspect that this variant may be benign, at this time, the clinical significance of this variant is uncertain due to the absence of conclusive functional and genetic evidence.

NM_002160.4(TNC):c.4063G>A (p.Val1355Met)

Gene: TNC (tenascin C; minus strand). Cytogenetic location: 9q33.1.
Variant type: single nucleotide variant.
Coding change: c.4063G>A on transcript NM_002160.4 (MANE Select); coding-DNA position 4063, G replaced by A.
Protein change: p.Val1355Met; replaces valine 1355 with methionine.
Molecular consequence: missense variant. On other transcripts: intron variant (13).
Genome position (GRCh38, 1-based): chr9:115,059,973, C>T on the plus strand (G>A on the coding strand, the complement: TNC is on the minus strand). VCF-style: chr9-115059973-C-T. GRCh37 (hg19) VCF-style: chr9-117822252-C-T.
Other names: c.3487+4674G>A (NM_001439097.1); c.3760+3823G>A (NM_001439093.1, NM_001439095.1); c.4033+2944G>A (NM_001439089.1, NM_001439091.1, NM_001439092.1); c.3214+13630G>A (NM_001439100.1, NM_001439101.1, NM_001439099.1); c.3790G>A, p.Val1264Met (NM_001410991.1, NM_001439069.1, NM_001439072.1 and 8 more transcripts); c.4063G>A, p.Val1355Met (NM_001439065.1, NM_001439066.1, NM_001439067.1 and 11 more transcripts); c.3215-13291G>A (NM_001439096.1); c.3215-2548G>A (NM_001439098.1, NM_001439094.1, NM_001439090.1); short protein forms V1264M, V1355M.
Identifiers: ClinVar variation 4983260 (VCV004983260.1).